The following is an entry in ClinVar:

NM_032590.5(KDM2B):c.778-2A>G

Gene: KDM2B (lysine demethylase 2B; minus strand). Cytogenetic location: 12q24.31.
Variant type: single nucleotide variant.
Coding change: c.778-2A>G on transcript NM_032590.5 (MANE Select); the canonical splice acceptor site of the intron before coding-DNA position 778, A replaced by G.
Molecular consequence: splice acceptor variant.
Genome position (GRCh38, 1-based): chr12:121,532,961, T>C on the plus strand (A>G on the coding strand, the complement: KDM2B is on the minus strand). VCF-style: chr12-121532961-T-C. GRCh37 (hg19) VCF-style: chr12-121970866-T-C.
Other names: c.685-2A>G (NM_001005366.2).
Identifiers: ClinVar variation 3235854 (VCV003235854.1), dbSNP rs2500838817, ClinGen allele CA386977313.
Genomic context (GRCh38, chr12:121,532,961, plus strand): 5'-AGCACCCACTCCTCGTACAGCGCCAAATTGTGCAGCGTTGGAGGAATCAGCCAAAAAATC[T>C]TGGGAGAAAACACAGGCAGTCAGCTGGAGACCCAGGCCCAGACAAGACCCAGAGAGAGGG-3'

ClinVar aggregate classification (germline): Likely pathogenic (1 of 4 stars; one submission).

Conditions:
KDM2B-related disorder. Also called: KDM2B-related condition.

Submission:

Greenwood Genetic Center Diagnostic Laboratories, Greenwood Genetic Center
Classification: Likely pathogenic for KDM2B-related disorder. Last evaluated: 2024-01-25. Review status: criteria provided, single submitter. Criteria: ACMG Guidelines, 2015. Collection method: clinical testing. Allele origin: germline. Affected: yes.
Comment: PVS1, PM2